The following is an entry in ClinVar:

NM_001099289.3(SH3RF3):c.2335G>C (p.Glu779Gln)

Genes: RANBP2 (RAN binding protein 2; plus strand), SH3RF3 (SH3 domain containing ring finger 3; plus strand). Cytogenetic location: 2q13.
Variant type: single nucleotide variant.
Coding change: c.2335G>C on transcript NM_001099289.3 (MANE Select); coding-DNA position 2335, G replaced by C.
Protein change: p.Glu779Gln; replaces glutamic acid 779 with glutamine.
Molecular consequence: missense variant.
Genome position (GRCh38, 1-based): chr2:109,490,791, G>C. VCF-style: chr2-109490791-G-C. GRCh37 (hg19) VCF-style: chr2-110107247-G-C.
Other names: short protein forms E779Q.
Identifiers: ClinVar variation 4583325 (VCV004583325.1).

ClinVar aggregate classification (germline): Uncertain significance (1 of 4 stars; one submission).

Submission:

Ambry Genetics
Classification: Uncertain significance. Last evaluated: 2025-09-15. Review status: criteria provided, single submitter. Criteria: Ambry Variant Classification Scheme 2023. Collection method: clinical testing. Allele origin: germline.
Comment: The c.2335G>C (p.E779Q) alteration is located in exon (coding exon ) of the SH3RF3 gene. This alteration results from a G to C substitution at nucleotide position 2335, causing the glutamic acid (E) at amino acid position 779 to be replaced by a glutamine (Q). Based on insufficient or conflicting evidence, the clinical significance of this alteration remains unclear.